The following is an entry in ClinVar:

NM_032242.4(PLXNA1):c.4737C>T (p.Asn1579=)

Gene: PLXNA1 (plexin A1; plus strand). Cytogenetic location: 3q21.3.
Variant type: single nucleotide variant.
Coding change: c.4737C>T on transcript NM_032242.4 (MANE Select); coding-DNA position 4737, C replaced by T.
Protein change: p.Asn1579=; no amino-acid change (asparagine 1579 retained).
Molecular consequence: synonymous variant.
Genome position (GRCh38, 1-based): chr3:127,029,060, C>T. VCF-style: chr3-127029060-C-T. GRCh37 (hg19) VCF-style: chr3-126747903-C-T.
Identifiers: ClinVar variation 3350602 (VCV003350602.1).
Genomic context (GRCh38, chr3:127,029,060, plus strand): 5'-CCAGGGCCGCATGGCGCGCATCATCCTGCAGGACGAGGACGTCACCACCAAGATTGACAA[C>T]GATTGGAAGAGGCTGAACACACTGGCTCACTACCAGGTGGCTCCCGGCCCTCCGACCCTA-3'
Protein context (NP_115618.3, residues 1569-1589): QDEDVTTKID[Asn1579=]DWKRLNTLAH

ClinVar aggregate classification (germline): Likely benign (0 of 4 stars; one submission).

Conditions:
PLXNA1-related disorder. Also called: PLXNA1-related condition.

gnomAD v4.1: 19 of 1,613,814 alleles (0.0012%); highest among the groups gnomAD compares: Non-Finnish European, 0.0014%; no homozygotes.

Submission:

PreventionGenetics, part of Exact Sciences
Classification: Likely benign for PLXNA1-related condition. Last evaluated: 2024-08-27. Review status: no assertion criteria provided. Collection method: clinical testing. Allele origin: germline.
Comment: This variant is classified as likely benign based on ACMG/AMP sequence variant interpretation guidelines (Richards et al. 2015 PMID: 25741868, with internal and published modifications).